The following is an entry in ClinVar:

NM_057175.5(NAA15):c.1058T>C (p.Leu353Pro)

Gene: NAA15 (N-alpha-acetyltransferase 15, NatA auxiliary subunit; plus strand). Cytogenetic location: 4q31.1.
Variant type: single nucleotide variant.
Coding change: c.1058T>C on transcript NM_057175.5 (MANE Select); coding-DNA position 1058, T replaced by C.
Protein change: p.Leu353Pro; replaces leucine 353 with proline.
Molecular consequence: missense variant.
Genome position (GRCh38, 1-based): chr4:139,354,069, T>C. VCF-style: chr4-139354069-T-C. GRCh37 (hg19) VCF-style: chr4-140275223-T-C.
Other names: c.1058T>C, p.Leu353Pro (NM_001410842.1); short protein forms L353P.
Identifiers: ClinVar variation 3766100 (VCV003766100.1).

ClinVar aggregate classification (germline): Likely pathogenic (1 of 4 stars; one submission).

Submission:

GeneDx
Classification: Likely pathogenic. Last evaluated: 2024-08-27. Review status: criteria provided, single submitter. Criteria: GeneDx Variant Classification Process June 2021. Collection method: clinical testing. Allele origin: germline. Affected: yes.
Comment: Not observed at significant frequency in large population cohorts (gnomAD); In silico analysis supports that this missense variant has a deleterious effect on protein structure/function; This variant is associated with the following publications: (PMID: 37130971)